The following is an entry in ClinVar:

NM_000834.5(GRIN2B):c.3807A>T (p.Pro1269=)

Gene: GRIN2B (glutamate ionotropic receptor NMDA type subunit 2B; minus strand). Cytogenetic location: 12p13.1.
Variant type: single nucleotide variant.
Coding change: c.3807A>T on transcript NM_000834.5 (MANE Select); coding-DNA position 3807, A replaced by T.
Protein change: p.Pro1269=; no amino-acid change (proline 1269 retained).
Molecular consequence: synonymous variant.
Genome position (GRCh38, 1-based): chr12:13,563,431, T>A on the plus strand (A>T on the coding strand, the complement: GRIN2B is on the minus strand). VCF-style: chr12-13563431-T-A. GRCh37 (hg19) VCF-style: chr12-13716365-T-A.
Other names: p.P1269P:CCA>CCT.
Identifiers: ClinVar variation 137521 (VCV000137521.55), dbSNP rs78765966, ClinGen allele CA291137.

ClinVar aggregate classification (germline): Benign/Likely benign. Review status: criteria provided, multiple submitters, no conflicts (2 of 4 stars). 10 submissions from 10 submitters: Benign (2); Likely benign (5). 3 of the submissions do not count toward it. Last evaluated 2026-09-01.

Conditions:
GRIN2B-related disorder. Also called: GRIN2B-related condition.
Inborn genetic diseases. Identifiers: MedGen C0950123, MeSH D030342.
Intellectual developmental disorder, autosomal dominant 6, with or without seizures. Also called: Intellectual disability, autosomal dominant 6; GRIN2B-related developmental delay, intellectual disability and autism spectrum disorder. Identifiers: Orphanet 589547, MedGen C3151411, MONDO:0013509, OMIM 613970.
Developmental and epileptic encephalopathy, 27 (DEE27). Also called: Epileptic encephalopathy, early infantile, 27; GRIN2B-Related Neurodevelopmental Disorder. Identifiers: Orphanet 3451, MedGen C4015316, MONDO:0014505, OMIM 616139.

Allele frequency attached by ClinVar (database versions not stated): gnomAD 0.00035; ESP Exome Variant Server 0.00038; 1000 Genomes Project 0.00040; ExAC 0.00046; 1000 Genomes Project 30x 0.00047; gnomAD exomes 0.00052; TOPMed 0.00057.
gnomAD v4.1: 1,247 of 1,614,152 alleles (0.077%); highest among the groups gnomAD compares: Non-Finnish European, 0.092%; 2 homozygotes.

Submissions (10):

CeGaT Center for Human Genetics Tuebingen
Classification: Likely benign. Last evaluated: 2026-09-01. Review status: criteria provided, single submitter. Criteria: CeGaT Center For Human Genetics Tuebingen Variant Classification Criteria Version 2. Collection method: clinical testing. Allele origin: germline. Affected: yes. Observed: 6 variant alleles.
Comment: GRIN2B: BP4, BP7

Labcorp Genetics (formerly Invitae), Labcorp
Classification: Likely benign for Developmental and epileptic encephalopathy, 27; Intellectual developmental disorder, autosomal dominant 6, with or without seizures. Last evaluated: 2025-12-26. Review status: criteria provided, single submitter. Criteria: Invitae Variant Classification Sherloc (09022015). Collection method: clinical testing. Allele origin: germline.

ARUP Laboratories, Molecular Genetics and Genomics, ARUP Laboratories
Classification: Benign. Last evaluated: 2025-04-18. Review status: criteria provided, single submitter. Criteria: ARUP Molecular Germline Variant Investigation Process 2024. Collection method: clinical testing. Allele origin: germline.

Blueprint Genetics
Classification: Likely benign. Last evaluated: 2024-11-19. Review status: criteria provided, single submitter. Criteria: ACMG Guidelines, 2015. Collection method: clinical testing. Allele origin: germline.

Ambry Genetics
Classification: Likely benign for Inborn genetic diseases. Last evaluated: 2017-09-05. Review status: criteria provided, single submitter. Criteria: Ambry Variant Classification Scheme 2023. Collection method: clinical testing. Allele origin: germline.

GeneDx
Classification: Benign. Last evaluated: 2014-02-28. Review status: criteria provided, single submitter. Criteria: GeneDx Variant Classification (06012015). Collection method: clinical testing. Allele origin: germline. Affected: yes.
Comment: This variant is considered likely benign or benign based on one or more of the following criteria: it is a conservative change, it occurs at a poorly conserved position in the protein, it is predicted to be benign by multiple in silico algorithms, and/or has population frequency not consistent with disease.

Breakthrough Genomics
Classification: Likely benign. Review status: criteria provided, single submitter. Criteria: ACMG Guidelines, 2015. Collection method: not provided. Allele origin: germline. Inheritance: Autosomal dominant inheritance. Affected: yes.

PreventionGenetics, part of Exact Sciences
Classification: Likely benign for GRIN2B-related condition. Last evaluated: 2019-05-22. Review status: no assertion criteria provided. Collection method: clinical testing. Allele origin: germline. Not counted in ClinVar's aggregate classification.
Comment: This variant is classified as likely benign based on ACMG/AMP sequence variant interpretation guidelines (Richards et al. 2015 PMID: 25741868, with internal and published modifications).

Clinical Genetics DNA and cytogenetics Diagnostics Lab, Erasmus MC, Erasmus Medical Center
Classification: Likely benign. Review status: no assertion criteria provided. Collection method: clinical testing. Allele origin: germline. Affected: yes. Study: VKGL Data-share Consensus. Not counted in ClinVar's aggregate classification.

Genome Diagnostics Laboratory, University Medical Center Utrecht
Classification: Likely benign. Review status: no assertion criteria provided. Collection method: clinical testing. Allele origin: germline. Affected: yes. Study: VKGL Data-share Consensus. Not counted in ClinVar's aggregate classification.